The following is an entry in ClinVar:

NM_021153.4(CDH19):c.501T>C (p.Val167=)

Gene: CDH19 (cadherin 19; minus strand). Cytogenetic location: 18q22.1.
Variant type: single nucleotide variant.
Coding change: c.501T>C on transcript NM_021153.4 (MANE Select); coding-DNA position 501, T replaced by C.
Protein change: p.Val167=; no amino-acid change (valine 167 retained).
Molecular consequence: synonymous variant. On other transcripts: non-coding transcript variant (1).
Genome position (GRCh38, 1-based): chr18:66,554,514, A>G on the plus strand (T>C on the coding strand, the complement: CDH19 is on the minus strand). VCF-style: chr18-66554514-A-G. GRCh37 (hg19) VCF-style: chr18-64221751-A-G.
Other names: c.501T>C, p.Val167= (NM_001271028.2).
Identifiers: ClinVar variation 3043579 (VCV003043579.2), dbSNP rs111743500, ClinGen allele CA8992155.

ClinVar aggregate classification (germline): Benign (0 of 4 stars; one submission).

Conditions:
CDH19-related disorder. Also called: CDH19-related condition.

Allele frequency attached by ClinVar (database versions not stated): gnomAD exomes 0.00101; ExAC 0.00351; gnomAD 0.00855; TOPMed 0.00945; 1000 Genomes Project 0.01018; 1000 Genomes Project 30x 0.01062; ESP Exome Variant Server 0.01153.
gnomAD v4.1: 2,856 of 1,610,994 alleles (0.18%); highest among the groups gnomAD compares: African/African-American, 2.7%; 28 homozygotes.

Submission:

PreventionGenetics, part of Exact Sciences
Classification: Benign for CDH19-related condition. Last evaluated: 2019-04-24. Review status: no assertion criteria provided. Collection method: clinical testing. Allele origin: germline.
Comment: This variant is classified as benign based on ACMG/AMP sequence variant interpretation guidelines (Richards et al. 2015 PMID: 25741868, with internal and published modifications).